The following is an entry in ClinVar:

NM_000143.4(FH):c.183G>C (p.Lys61Asn)

Gene: FH (fumarate hydratase; minus strand). Cytogenetic location: 1q43.
Variant type: single nucleotide variant.
Coding change: c.183G>C on transcript NM_000143.4 (MANE Select); coding-DNA position 183, G replaced by C.
Protein change: p.Lys61Asn; replaces lysine 61 with asparagine.
Molecular consequence: missense variant.
Genome position (GRCh38, 1-based): chr1:241,517,266, C>G on the plus strand (G>C on the coding strand, the complement: FH is on the minus strand). VCF-style: chr1-241517266-C-G. GRCh37 (hg19) VCF-style: chr1-241680566-C-G.
Other names: short protein forms K61N.
Identifiers: ClinVar variation 960737 (VCV000960737.10), dbSNP rs766840026, ClinGen allele CA345441906.
Genomic context (GRCh38, chr1:241,517,266, plus strand): 5'-AATCTTAAAGTTCATCGTAGATCTCACGGTCTGGGCGCCATAATACTTATCATTTGGCAC[C>G]TTTAGTTCACCAAAGGTATCATATTCTATCCGGAAGGAATTTTGGCTTGCCTAAAGACAA-3'
Protein context (NP_000134.2, residues 51-71): RIEYDTFGEL[Lys61Asn]VPNDKYYGAQ

ClinVar aggregate classification (germline): Uncertain significance (1 of 4 stars; one submission).

Submission:

Labcorp Genetics (formerly Invitae), Labcorp
Classification: Uncertain significance. Last evaluated: 2025-07-31. Review status: criteria provided, single submitter. Criteria: Invitae Variant Classification Sherloc (09022015). Collection method: clinical testing. Allele origin: germline.
Comment: This sequence change replaces lysine, which is basic and polar, with asparagine, which is neutral and polar, at codon 61 of the FH protein (p.Lys61Asn). This variant is present in population databases (no rsID available, gnomAD 0.003%). This variant has not been reported in the literature in individuals affected with FH-related conditions. ClinVar contains an entry for this variant (Variation ID: 960737). Invitae Evidence Modeling of protein sequence and biophysical properties (such as structural, functional, and spatial information, amino acid conservation, physicochemical variation, residue mobility, and thermodynamic stability) indicates that this missense variant is not expected to disrupt FH protein function with a negative predictive value of 95%. In summary, the available evidence is currently insufficient to determine the role of this variant in disease. Therefore, it has been classified as a Variant of Uncertain Significance.